The following is an entry in ClinVar:

NM_025179.4(PLXNA2):c.5515C>G (p.Leu1839Val)

Gene: PLXNA2 (plexin A2; minus strand). Cytogenetic location: 1q32.2.
Variant type: single nucleotide variant.
Coding change: c.5515C>G on transcript NM_025179.4 (MANE Select); coding-DNA position 5515, C replaced by G.
Protein change: p.Leu1839Val; replaces leucine 1839 with valine.
Molecular consequence: missense variant.
Genome position (GRCh38, 1-based): chr1:208,028,083, G>C on the plus strand (C>G on the coding strand, the complement: PLXNA2 is on the minus strand). VCF-style: chr1-208028083-G-C. GRCh37 (hg19) VCF-style: chr1-208201428-G-C.
Other names: short protein forms L1839V.
Identifiers: ClinVar variation 4995428 (VCV004995428.1).
Genomic context (GRCh38, chr1:208,028,083, plus strand): 5'-TGCTGACATAGGAGTAGATCTCATTGAGGGCACTCAGCATGTTGAACTCCACGGCGTGCA[G>C]GCGGGACTGCTCGGCGAGGTAGGCATTCATGTCCTGGTCACTGATGGCTGGGAGCTTGGC-3'
Protein context (NP_079455.3, residues 1829-1849): MNAYLAEQSR[Leu1839Val]HAVEFNMLSA

ClinVar aggregate classification (germline): Uncertain significance (1 of 4 stars; one submission).

Conditions:
PLXNA2-related disorder. Also called: PLXNA2-related condition.

gnomAD v4.1: 1 of 1,613,592 alleles (0.000062%); highest among the groups gnomAD compares: African/African-American, 0.0013%; no homozygotes.

Submission:

PreventionGenetics, part of Exact Sciences
Classification: Uncertain significance for PLXNA2-related condition. Last evaluated: 2026-09-15. Review status: criteria provided, single submitter. Criteria: ACMG Guidelines, 2015. Collection method: clinical testing. Allele origin: germline.
Comment: The PLXNA2 c.5515C>G variant is predicted to result in the amino acid substitution p.Leu1839Val. To our knowledge, this variant has not been reported in the literature or in a large population database (gnomAD), indicating this variant is rare. At this time, the clinical significance of this variant is uncertain due to the absence of conclusive functional and genetic evidence.